The following is an entry in ClinVar:

NM_001103.4(ACTN2):c.1238A>T (p.His413Leu)

Gene: ACTN2 (actinin alpha 2; plus strand). Cytogenetic location: 1q43.
Variant type: single nucleotide variant.
Coding change: c.1238A>T on transcript NM_001103.4 (MANE Select); coding-DNA position 1238, A replaced by T.
Protein change: p.His413Leu; replaces histidine 413 with leucine.
Molecular consequence: missense variant.
Genome position (GRCh38, 1-based): chr1:236,743,026, A>T. VCF-style: chr1-236743026-A-T. GRCh37 (hg19) VCF-style: chr1-236906326-A-T.
Other names: c.1238A>T, p.His413Leu (NM_001278343.2); c.614A>T, p.His205Leu (NM_001278344.2); short protein forms H205L, H413L.
Identifiers: ClinVar variation 874393 (VCV000874393.6), dbSNP rs763060410, ClinGen allele CA1473080.
Genomic context (GRCh38, chr1:236,743,026, plus strand): 5'-TTCGGAGACTGGAGCGCTTGGAACACCTGGCTGAGAAGTTCAGGCAGAAGGCCTCAACGC[A>T]CGAGACTTGGGCTTATGGTAAGTAGACAGGAGTCAGATTGGATTTTTGAAAAACCAGAGT-3'
Protein context (NP_001094.1, residues 403-423): AEKFRQKAST[His413Leu]ETWAYGKEQI

ClinVar aggregate classification (germline): Uncertain significance. Review status: criteria provided, multiple submitters, no conflicts (2 of 4 stars). 2 submissions from 2 submitters: Uncertain significance (2). Last evaluated 2021-07-18.

Conditions:
Cardiovascular phenotype. Identifiers: MedGen CN230736.
Dilated cardiomyopathy 1AA (CMD1AA). Also called: Cardiomyopathy, dilated, 1AA, with or without LVNC; CARDIOMYOPATHY, DILATED, 1AA, WITH OR WITHOUT LEFT VENTRICULAR NONCOMPACTION; CARDIOMYOPATHY, FAMILIAL HYPERTROPHIC, 23, WITH OR WITHOUT LEFT VENTRICULAR NONCOMPACTION. Identifiers: Orphanet 154, MedGen C2677338, MONDO:0012808, OMIM 612158.

Allele frequency attached by ClinVar (database versions not stated): gnomAD exomes below 0.00001; TOPMed below 0.00001; ExAC 0.00001; gnomAD 0.00001.
gnomAD v4.1: 7 of 1,614,054 alleles (0.00043%); highest among the groups gnomAD compares: Non-Finnish European, 0.00051%; no homozygotes.

Submissions (2):

Ambry Genetics
Classification: Uncertain significance for Cardiovascular phenotype. Last evaluated: 2021-07-18. Review status: criteria provided, single submitter. Criteria: Ambry Variant Classification Scheme 2023. Collection method: clinical testing. Allele origin: germline.
Comment: The p.H413L variant (also known as c.1238A>T), located in coding exon 11 of the ACTN2 gene, results from an A to T substitution at nucleotide position 1238. The histidine at codon 413 is replaced by leucine, an amino acid with similar properties. This amino acid position is conserved. In addition, this alteration is predicted to be deleterious by in silico analysis. Since supporting evidence is limited at this time, the clinical significance of this alteration remains unclear.

Illumina Laboratory Services, Illumina
Classification: Uncertain significance for Dilated cardiomyopathy 1AA. Last evaluated: 2018-01-13. Review status: criteria provided, single submitter. Criteria: ICSL Variant Classification Criteria 13 December 2019. Collection method: clinical testing. Allele origin: germline.